The following is an entry in ClinVar:

NM_001963.6(EGF):c.1066+7_1066+30dup

Gene: EGF (epidermal growth factor; plus strand). Cytogenetic location: 4q25.
Variant type: Duplication.
Coding change: c.1066+7_1066+30dup on transcript NM_001963.6 (MANE Select); bases 7 to 30 of the intron after coding-DNA position 1066, 24 bases duplicated (ACTGGAAGTACTGTGAAGGTAATG).
Molecular consequence: splice donor variant. On other transcripts: intron variant (2).
Genome position (GRCh38, 1-based): chr4:109,959,444-109,959,467, ACTGGAAGTACTGTGAAGGTAATG duplicated; duplicating any 24 consecutive bases within chr4:109,959,423-109,959,467 gives the same sequence; the c. name uses the placement nearest the transcript's 3' end. VCF-style (leftmost placement, unchanged base first): chr4-109959422-C-CGGAAGTACTGTGAAGGTAATGACT. GRCh37 (hg19) VCF-style: chr4-110880578-C-CGGAAGTACTGTGAAGGTAATGACT.
Other names: c.1066+7_1066+30dup (NM_001178130.3); c.941-1423_941-1400dup (NM_001178131.3, NM_001357021.2).
Identifiers: ClinVar variation 2418533 (VCV002418533.6), dbSNP rs760103609, ClinGen allele CA3043552.

ClinVar aggregate classification (germline): Uncertain significance (1 of 4 stars; one submission).

Submission:

Labcorp Genetics (formerly Invitae), Labcorp
Classification: Uncertain significance. Last evaluated: 2022-07-23. Review status: criteria provided, single submitter. Criteria: Invitae Variant Classification Sherloc (09022015). Collection method: clinical testing. Allele origin: germline.
Comment: In summary, the available evidence is currently insufficient to determine the role of this variant in disease. Therefore, it has been classified as a Variant of Uncertain Significance. Algorithms developed to predict the effect of sequence changes on RNA splicing suggest that this variant may disrupt the consensus splice site. This variant has not been reported in the literature in individuals affected with EGF-related conditions. This variant is present in population databases (rs760103609, gnomAD 0.003%). This sequence change falls in intron 6 of the EGF gene. It does not directly change the encoded amino acid sequence of the EGF protein.